The following is an entry in ClinVar:

NM_001609.4(ACADSB):c.1228+21del

Gene: ACADSB (acyl-CoA dehydrogenase short/branched chain; plus strand). Cytogenetic location: 10q26.13.
Variant type: Deletion.
Coding change: c.1228+21del on transcript NM_001609.4 (MANE Select); 21 bases into the intron after coding-DNA position 1228, one base deleted (T; older notation c.1228+21delT).
Molecular consequence: intron variant.
Genome position (GRCh38, 1-based): chr10:123,053,181, T deleted; the last of 12 consecutive T bases (chr10:123,053,170-123,053,181); deleting any one gives the same sequence. VCF-style (leftmost placement, unchanged base first): chr10-123053169-AT-A. GRCh37 (hg19) VCF-style: chr10-124812685-AT-A.
Other names: p.?; c.922+21del (NM_001330174.3); c.1228+21delT (NM_001609.4).
Identifiers: ClinVar variation 299089 (VCV000299089.20), dbSNP rs11307362, ClinGen allele CA5730963.

ClinVar aggregate classification (germline): Benign. Review status: criteria provided, multiple submitters, no conflicts (2 of 4 stars). 5 submissions from 5 submitters: Benign (5). Last evaluated 2026-02-04.

Conditions:
Deficiency of 2-methylbutyryl-CoA dehydrogenase (ACADSB). Also called: 2-methylbutyryl-CoA dehydrogenase deficiency; SBCAD deficiency; 2-methylbutyric aciduria; Short branched-chain acyl-CoA dehydrogenase deficiency; 2-methylbutyrylglycinuria. Identifiers: Orphanet 79157, MedGen C1864912, MONDO:0012392, OMIM 610006, HP:0020147.

Submissions (5):

Labcorp Genetics (formerly Invitae), Labcorp
Classification: Benign for Deficiency of 2-methylbutyryl-CoA dehydrogenase. Last evaluated: 2026-02-04. Review status: criteria provided, single submitter. Criteria: Invitae Variant Classification Sherloc (09022015). Collection method: clinical testing. Allele origin: germline.

Blueprint Genetics
Classification: Benign. Last evaluated: 2024-11-27. Review status: criteria provided, single submitter. Criteria: ACMG Guidelines, 2015. Collection method: clinical testing. Allele origin: germline.

Molecular Genetics, Royal Melbourne Hospital
Classification: Benign for Deficiency of 2-methylbutyryl-CoA dehydrogenase. Last evaluated: 2023-05-04. Review status: criteria provided, single submitter. Criteria: ACMG Guidelines, 2015. Collection method: clinical testing. Allele origin: germline. Affected: yes.
Comment: South Asian population allele frequency is 85.58% (rs769258627, 148304/178128 alleles, 59866 homozygotes in gnomAD v2.1). Based on the classification scheme RMH Modified ACMG/AMP Guidelines v1.1.0, this variant is classified as BENIGN. Following criteria are met: BA1

Mayo Clinic Laboratories, Mayo Clinic
Classification: Benign. Last evaluated: 2022-04-26. Review status: criteria provided, single submitter. Criteria: ACMG Guidelines, 2015. Collection method: clinical testing. Allele origin: germline. Observed: 70 variant alleles.

Genome-Nilou Lab
Classification: Benign for Deficiency of 2-methylbutyryl-CoA dehydrogenase. Last evaluated: 2021-07-14. Review status: criteria provided, single submitter. Criteria: ACMG Guidelines, 2015. Collection method: clinical testing. Allele origin: germline. Affected: no.